The following is an entry in ClinVar:

ClinVar aggregate classification (germline): Uncertain significance (1 of 4 stars; one submission).

Conditions:
Trichorhinophalangeal dysplasia type I (TRPS1). Also called: TRICHORHINOPHALANGEAL SYNDROME, TYPE I; TRPS I. Identifiers: Orphanet 77258, MedGen C0432233, MONDO:0008596, OMIM 190350.
Trichorhinophalangeal syndrome, type III (TRPS3). Also called: SUGIO-KAJII SYNDROME. Identifiers: Orphanet 77258, MedGen C1860823, OMIM 190351, MONDO:0008597.

Allele frequency attached by ClinVar (database versions not stated): gnomAD exomes below 0.00001; ExAC 0.00001.
gnomAD v4.1: 2 of 1,614,216 alleles (0.00012%); highest among the groups gnomAD compares: Admixed American, 0.0017%; no homozygotes.

Submission:

Labcorp Genetics (formerly Invitae), Labcorp
Classification: Uncertain significance for Trichorhinophalangeal syndrome, type III; Trichorhinophalangeal dysplasia type I. Last evaluated: 2024-09-23. Review status: criteria provided, single submitter. Criteria: Invitae Variant Classification Sherloc (09022015). Collection method: clinical testing. Allele origin: germline.
Comment: This sequence change replaces glycine, which is neutral and non-polar, with valine, which is neutral and non-polar, at codon 815 of the TRPS1 protein (p.Gly815Val). This variant is present in population databases (rs763124273, gnomAD 0.003%). This variant has not been reported in the literature in individuals affected with TRPS1-related conditions. ClinVar contains an entry for this variant (Variation ID: 1424114). Invitae Evidence Modeling of protein sequence and biophysical properties (such as structural, functional, and spatial information, amino acid conservation, physicochemical variation, residue mobility, and thermodynamic stability) indicates that this missense variant is not expected to disrupt TRPS1 protein function with a negative predictive value of 80%. Algorithms developed to predict the effect of sequence changes on RNA splicing suggest that this variant may create or strengthen a splice site. In summary, the available evidence is currently insufficient to determine the role of this variant in disease. Therefore, it has been classified as a Variant of Uncertain Significance.

NM_014112.5(TRPS1):c.2444G>T (p.Gly815Val)

Gene: TRPS1 (transcriptional repressor GATA binding 1; minus strand). Cytogenetic location: 8q23.3.
Variant type: single nucleotide variant.
Coding change: c.2444G>T on transcript NM_014112.5 (MANE Select); coding-DNA position 2444, G replaced by T.
Protein change: p.Gly815Val; replaces glycine 815 with valine.
Molecular consequence: missense variant.
Genome position (GRCh38, 1-based): chr8:115,587,257, C>A on the plus strand (G>T on the coding strand, the complement: TRPS1 is on the minus strand). VCF-style: chr8-115587257-C-A. GRCh37 (hg19) VCF-style: chr8-116599484-C-A.
Other names: c.2417G>T, p.Gly806Val (NM_001282902.3); c.2423G>T, p.Gly808Val (NM_001282903.3); c.2405G>T, p.Gly802Val (NM_001330599.2); short protein forms G802V, G808V, G806V, G815V.
Identifiers: ClinVar variation 1424114 (VCV001424114.6), dbSNP rs763124273, ClinGen allele CA4851663.